The following is an entry in ClinVar:

NM_001453.3(FOXC1):c.1342G>A (p.Gly448Ser)

Gene: FOXC1 (forkhead box C1; plus strand). Cytogenetic location: 6p25.3.
Variant type: single nucleotide variant.
Coding change: c.1342G>A on transcript NM_001453.3 (MANE Select); coding-DNA position 1342, G replaced by A.
Protein change: p.Gly448Ser; replaces glycine 448 with serine.
Molecular consequence: missense variant.
Genome position (GRCh38, 1-based): chr6:1,611,787, G>A. VCF-style: chr6-1611787-G-A. GRCh37 (hg19) VCF-style: chr6-1612022-G-A.
Other names: short protein forms G448S.
Identifiers: ClinVar variation 3614034 (VCV003614034.2).
Genomic context (GRCh38, chr6:1,611,787, plus strand): 5'-CTGCCCGACTACTCTCTGCCTCCGGTCACCAGCAGCAGCTCGTCGTCCCTGAGTCACGGC[G>A]GCGGCGGCGGCGGCGGCGGGGGAGGCCAGGAGGCCGGCCACCACCCTGCGGCCCACCAAG-3'
Protein context (NP_001444.2, residues 438-458): SSSSSSLSHG[Gly448Ser]GGGGGGGGQE

ClinVar aggregate classification (germline): Uncertain significance (1 of 4 stars; one submission).

Conditions:
Axenfeld-Rieger syndrome type 3 (RIEG3). Also called: AXENFELD-RIEGER ANOMALY WITH CARDIAC DEFECTS AND/OR SENSORINEURAL HEARING LOSS. Identifiers: Orphanet 782, MedGen C2678503, MONDO:0011233, OMIM 602482.

Submission:

Labcorp Genetics (formerly Invitae), Labcorp
Classification: Uncertain significance for Axenfeld-Rieger syndrome type 3. Last evaluated: 2024-10-31. Review status: criteria provided, single submitter. Criteria: Invitae Variant Classification Sherloc (09022015). Collection method: clinical testing. Allele origin: germline.
Comment: This sequence change replaces glycine, which is neutral and non-polar, with serine, which is neutral and polar, at codon 448 of the FOXC1 protein (p.Gly448Ser). This variant is present in population databases (no rsID available, gnomAD 0.02%). This variant has not been reported in the literature in individuals affected with FOXC1-related conditions. An algorithm developed to predict the effect of missense changes on protein structure and function (PolyPhen-2) suggests that this variant is likely to be tolerated. In summary, the available evidence is currently insufficient to determine the role of this variant in disease. Therefore, it has been classified as a Variant of Uncertain Significance.